The following is an entry in ClinVar:

NM_007357.3(COG2):c.1035_1036inv (p.Ile346Val)

Gene: COG2 (component of oligomeric golgi complex 2; plus strand). Cytogenetic location: 1q42.2.
Variant type: Inversion.
Coding change: c.1035_1036inv on transcript NM_007357.3 (MANE Select).
Protein change: p.Ile346Val; replaces isoleucine 346 with valine.
Molecular consequence: missense variant.
Genome position: GRCh38 VCF-style: chr1-230678921-CA-TG. GRCh37 (hg19) VCF-style: chr1-230814667-CA-TG.
Other names: c.1035_1036inv, p.Ile346Val (NM_001145036.2); short protein forms I346V.
Identifiers: ClinVar variation 4693070 (VCV004693070.1).

ClinVar aggregate classification (germline): Uncertain significance (1 of 4 stars; one submission).

Conditions:
Congenital disorder of glycosylation, type IIq. Also called: CDG IIq. Identifiers: Orphanet 435934, MedGen C4479353, MONDO:0054559, OMIM 617395.

Submission:

Labcorp Genetics (formerly Invitae), Labcorp
Classification: Uncertain significance for Congenital disorder of glycosylation, type IIq. Last evaluated: 2026-01-04. Review status: criteria provided, single submitter. Criteria: Invitae Variant Classification Sherloc (09022015). Collection method: clinical testing. Allele origin: germline.
Comment: This sequence change replaces isoleucine, which is neutral and non-polar, with valine, which is neutral and non-polar, at codon 346 of the COG2 protein (p.Ile346Val). Information on the frequency of this variant in the gnomAD database is not available, as this variant may be reported differently in the database. This variant has not been reported in the literature in individuals affected with COG2-related conditions. Experimental studies and prediction algorithms are not available or were not evaluated, and the functional significance of this variant is currently unknown. In summary, the available evidence is currently insufficient to determine the role of this variant in disease. Therefore, it has been classified as a Variant of Uncertain Significance.